The following is an entry in ClinVar:

ClinVar aggregate classification (germline): Uncertain significance (1 of 4 stars; one submission).

Conditions:
PCNT-related disorder. Also called: PCNT-related condition.

Submission:

PreventionGenetics, part of Exact Sciences
Classification: Uncertain significance for PCNT-related condition. Last evaluated: 2025-05-08. Review status: criteria provided, single submitter. Criteria: ACMG Guidelines, 2015. Collection method: clinical testing. Allele origin: germline.
Comment: The PCNT c.281A>C variant is predicted to result in the amino acid substitution p.Asp94Ala. To our knowledge, this variant has not been reported in the literature or in a large population database (gnomAD), indicating this variant is rare. At this time, the clinical significance of this variant is uncertain due to the absence of conclusive functional and genetic evidence.

NM_006031.6(PCNT):c.281A>C (p.Asp94Ala)

Gene: PCNT (pericentrin; plus strand). Cytogenetic location: 21q22.3.
Variant type: single nucleotide variant.
Coding change: c.281A>C on transcript NM_006031.6 (MANE Select); coding-DNA position 281, A replaced by C.
Protein change: p.Asp94Ala; replaces aspartic acid 94 with alanine.
Molecular consequence: missense variant. On other transcripts: 5 prime UTR variant (1).
Genome position (GRCh38, 1-based): chr21:46,334,410, A>C. VCF-style: chr21-46334410-A-C. GRCh37 (hg19) VCF-style: chr21-47754324-A-C.
Other names: c.-74A>C (NM_001315529.2); short protein forms D94A.
Identifiers: ClinVar variation 5002435 (VCV005002435.1).